The following is an entry in ClinVar:

NM_022124.6(CDH23):c.6506A>T (p.Asp2169Val)

Gene: CDH23 (cadherin related 23; plus strand). Cytogenetic location: 10q22.1.
Variant type: single nucleotide variant.
Coding change: c.6506A>T on transcript NM_022124.6 (MANE Select); coding-DNA position 6506, A replaced by T.
Protein change: p.Asp2169Val; replaces aspartic acid 2169 with valine.
Molecular consequence: missense variant.
Genome position (GRCh38, 1-based): chr10:71,793,434, A>T. VCF-style: chr10-71793434-A-T. GRCh37 (hg19) VCF-style: chr10-73553191-A-T.
Other names: short protein forms D2169V.
Identifiers: ClinVar variation 2442563 (VCV002442563.1), dbSNP rs898221522, ClinGen allele CA377155212.

ClinVar aggregate classification (germline): Uncertain significance (1 of 4 stars; one submission).

Submission:

GeneDx
Classification: Uncertain significance. Last evaluated: 2022-08-30. Review status: criteria provided, single submitter. Criteria: GeneDx Variant Classification Process June 2021. Collection method: clinical testing. Allele origin: germline. Affected: yes.
Comment: Not observed at significant frequency in large population cohorts (gnomAD); In silico analysis supports that this missense variant has a deleterious effect on protein structure/function; Has not been previously published as pathogenic or benign to our knowledge